The following is an entry in ClinVar:

ClinVar aggregate classification (germline): Conflicting classifications of pathogenicity. Review status: criteria provided, conflicting classifications (1 of 4 stars). 2 submissions from 2 submitters: Uncertain significance (1); Likely benign (1). Last evaluated 2025-11-11.

Allele frequency attached by ClinVar (database versions not stated): gnomAD exomes 0.00002; gnomAD 0.00007; 1000 Genomes Project 30x 0.00016; 1000 Genomes Project 0.00020; TOPMed 0.00007; ExAC 0.00009.
gnomAD v4.1: 56 of 1,611,190 alleles (0.0035%); highest among the groups gnomAD compares: East Asian, 0.082%; no homozygotes.

Submissions (2):

Women's Health and Genetics/Laboratory Corporation of America, LabCorp
Classification: Likely benign. Last evaluated: 2025-11-11. Review status: criteria provided, single submitter. Criteria: LabCorp Variant Classification Summary - May 2015. Collection method: clinical testing. Allele origin: germline.
Comment: Variant summary: VWA1 c.200G>A (p.Gly67Asp) results in a non-conservative amino acid change in the encoded protein sequence. Algorithms developed to predict the effect of missense changes on protein structure and function all suggest that this variant is likely to be disruptive. The variant allele was found at a frequency of 0.00012 in 246550 control chromosomes, predominantly at a frequency of 0.0015 within the East Asian subpopulation in the gnomAD database. The observed variant frequency within East Asian control individuals in the gnomAD database exceeds the estimated maximal expected allele frequency for disease-causing variants in VWA1. To our knowledge, no occurrence of c.200G>A in individuals affected with VWA1-related conditions and no experimental evidence demonstrating its impact on protein function have been reported. ClinVar contains an entry for this variant (Variation ID: 2270417). Based on the evidence outlined above, the variant was classified as likely benign.

Ambry Genetics
Classification: Uncertain significance. Last evaluated: 2021-07-20. Review status: criteria provided, single submitter. Criteria: Ambry Variant Classification Scheme 2023. Collection method: clinical testing. Allele origin: germline.

NM_022834.5(VWA1):c.200G>A (p.Gly67Asp)

Gene: VWA1 (von Willebrand factor A domain containing 1; plus strand). Cytogenetic location: 1p36.33.
Variant type: single nucleotide variant.
Coding change: c.200G>A on transcript NM_022834.5 (MANE Select); coding-DNA position 200, G replaced by A.
Protein change: p.Gly67Asp; replaces glycine 67 with aspartic acid.
Molecular consequence: missense variant. On other transcripts: intron variant (1).
Genome position (GRCh38, 1-based): chr1:1,437,053, G>A. VCF-style: chr1-1437053-G-A. GRCh37 (hg19) VCF-style: chr1-1372433-G-A.
Other names: c.74-269G>A (NM_199121.3); short protein forms G67D.
Identifiers: ClinVar variation 2270417 (VCV002270417.3), dbSNP rs542170050, ClinGen allele CA523057.